The following is an entry in ClinVar:

ClinVar aggregate classification (germline): Pathogenic/Likely pathogenic. Review status: criteria provided, multiple submitters, no conflicts (2 of 4 stars). 8 submissions from 8 submitters: Pathogenic (5); Likely pathogenic (1). 2 of the submissions do not count toward it. Last evaluated 2026-07-01.

Conditions:
Glycogen storage disease, type II (IOPD). Also called: GLYCOGENOSIS, GENERALIZED, CARDIAC FORM; GSD II; Glycogen storage disease type 2; Acid maltase deficiency disease; Aglucosidase alfa; Deficiency of alpha-glucosidase. Identifiers: Orphanet 365, MedGen C0017921, MONDO:0009290, OMIM 232300.

Submissions (8):

Genomenon, Inc
Classification: Likely pathogenic for Glycogen storage disease, type II. Last evaluated: 2026-07-01. Review status: criteria provided, single submitter. Criteria: Genomenon Sequence Variant Interpretation Standards - Updated. Collection method: curation. Allele origin: germline. Affected: yes.
Comment: GAA p.Asp645His (c.1933G>C) is a missense variant that changes the amino acid at codon 645 from Aspartic acid to Histidine. This variant has been observed in at least one proband with a GAA-related disorder in the compound heterozygous and/or homozygous state (PMID:40952111;32849613;31510962;12897283;7695647). At least one functional study has demonstrated a substantial alteration in protein function relative to the wild-type (PMID:7695647;19862843). It is absent or not present at a significant frequency in gnomAD. In silico models predict that this variant is possibly or probably damaging. In conclusion, we classify GAA p.Asp645His (c.1933G>C) as a likely pathogenic variant.

Labcorp Genetics (formerly Invitae), Labcorp
Classification: Pathogenic for Glycogen storage disease, type II. Last evaluated: 2025-11-16. Review status: criteria provided, single submitter. Criteria: Invitae Variant Classification Sherloc (09022015). Collection method: clinical testing. Allele origin: germline.
Comment: This sequence change replaces aspartic acid, which is acidic and polar, with histidine, which is basic and polar, at codon 645 of the GAA protein (p.Asp645His). The frequency data for this variant in the population databases is considered unreliable, as metrics indicate poor data quality at this position in the gnomAD database. This missense change has been observed in individual(s) with infantile Pompe disease (PMID: 7695647, 12897283). ClinVar contains an entry for this variant (Variation ID: 189013). Invitae Evidence Modeling of protein sequence and biophysical properties (such as structural, functional, and spatial information, amino acid conservation, physicochemical variation, residue mobility, and thermodynamic stability) indicates that this missense variant is expected to disrupt GAA protein function with a positive predictive value of 95%. Experimental studies have shown that this missense change affects GAA function (PMID: 7695647). This variant disrupts the p.Asp645 amino acid residue in GAA. Other variant(s) that disrupt this residue have been determined to be pathogenic (PMID: 9535769, 15145338, 21039225, 21439876, 24269976). This suggests that this residue is clinically significant, and that variants that disrupt this residue are likely to be disease-causing. For these reasons, this variant has been classified as Pathogenic.

Women's Health and Genetics/Laboratory Corporation of America, LabCorp
Classification: Pathogenic for Glycogen storage disease, type II. Last evaluated: 2024-05-16. Review status: criteria provided, single submitter. Criteria: LabCorp Variant Classification Summary - May 2015. Collection method: clinical testing. Allele origin: germline.
Comment: Variant summary: GAA c.1933G>C (p.Asp645His) results in a non-conservative amino acid change located in the Glycoside hydrolase family 31, TIM barrel domain (IPR000322) of the encoded protein sequence. Five of five in-silico tools predict a damaging effect of the variant on protein function. The variant allele was found at a frequency of 8.3e-06 in 242414 control chromosomes. c.1933G>C has been reported in the literature in homozygous and compound heterozygous individuals affected with Glycogen Storage Disease, Type 2 (Pompe Disease) (e.g. Kishnani_2019, Lin_1995, Ngiwsara_2019). These data indicate that the variant is likely to be associated with disease. At least one publication reports experimental evidence evaluating an impact on protein function. The most pronounced variant effect results in <10% of normal acid alpha-glucosidase activity in COS-1 (Lin_1995). The following publications have been ascertained in the context of this evaluation (PMID: 31086307, 7695647, 31510962). ClinVar contains an entry for this variant (Variation ID: 189013). Based on the evidence outlined above, the variant was classified as pathogenic.

Baylor Genetics
Classification: Pathogenic for Glycogen storage disease, type II. Last evaluated: 2024-03-26. Review status: criteria provided, single submitter. Criteria: ACMG Guidelines, 2015. Collection method: clinical testing. Allele origin: unknown.

Revvity Omics, Revvity
Classification: Pathogenic. Last evaluated: 2023-10-23. Review status: criteria provided, single submitter. Criteria: ACMG Guidelines, 2015. Collection method: clinical testing. Allele origin: germline.

Broad Center for Mendelian Genomics, Broad Institute of MIT and Harvard
Classification: Pathogenic for Glycogen storage disease, type II. Last evaluated: 2020-01-22. Review status: criteria provided, single submitter. Criteria: ACMG Guidelines, 2015. Collection method: curation. Allele origin: germline. Inheritance: Autosomal recessive inheritance.
Comment: The p.Asp645His variant in GAA has been reported in two individuals from Taiwan with Glycogen Storage Disease II (PMID: 12897283, 7695647), and has also been reported likely pathogenic by Counsyl in ClinVar (Variation ID: 189013). This variant has been identified in 0.006% (1/18070) of East Asian chromosomes and 0.005% (1/20588) of European (Finnish) chromosomes by the Genome Aggregation Database (gnomAD; dbSNP rs368438393). Although this variant has been seen in the general population, its frequency is low enough to be consistent with a recessive carrier frequency. In vitro functional studies with COS cells transfected with this variant provide some evidence that the p.Asp645His variant may impact GAA activity, but not GAA levels (PMID: 19862843, 7695647). However, these types of assays may not accurately represent biological function. Computational prediction tools and conservation analyses suggest that this variant may impact the protein, though this information is not predictive enough to determine pathogenicity. The presence of this variant in the homozygous state in two individuals with Glycogen Storage Disease II increases the likelihood that the p.Asp645His variant is pathogenic (PMID: 12897283, 7695647). Three additional variants at the the same position (p.Asp645Tyr, p.Asp645Asn, p.Asp645Glu), including 2 pathogenic variants curated by our study, have been reported in association with disease in ClinVar, suggesting that a change at this position may not be tolerated (Variation ID: 556386, 188728, 4029). The phenotype of two individuals homozygous for this variant is highly specific for Glycogen Storage Disease II based on abnormally low GAA activity detected by assays with fibroblast cells (PMID: 7695647, 12897283). In summary, this variant meets criteria to be classified as pathogenic for Glycogen Storage Disease II in an autosomal recessive manner based on in vitro functional studies and multiple occurrences of pathogenic missense variants at the same position. ACMG/AMP Criteria applied: PM5_Strong, PS3, PM2, PM3, PP3, PP4 (Richards 2015).

Natera, Inc.
Classification: Pathogenic for Glycogen storage disease type II. Last evaluated: 2020-09-16. Review status: no assertion criteria provided. Collection method: clinical testing. Allele origin: germline. Not counted in ClinVar's aggregate classification.

Counsyl
Classification: Likely pathogenic for Glycogen storage disease, type II. Last evaluated: 2014-10-14. Review status: no assertion criteria provided. Collection method: literature only. Allele origin: unknown. Inheritance: Autosomal recessive inheritance. Not counted in ClinVar's aggregate classification.

Literature cited by the submitters: PubMed 40952111 (cited by Genomenon, Inc); PubMed 32849613 (cited by Genomenon, Inc); PubMed 31510962 (cited by Genomenon, Inc and Women's Health and Genetics/Laboratory Corporation of America, LabCorp); PubMed 12897283 (cited by 4 submitters); PubMed 7695647 (cited by 5 submitters); PubMed 19862843 (cited by 3 submitters); PubMed 9535769 (cited by Labcorp Genetics (formerly Invitae), Labcorp); PubMed 15145338 (cited by Labcorp Genetics (formerly Invitae), Labcorp); PubMed 21039225 (cited by Labcorp Genetics (formerly Invitae), Labcorp); PubMed 21439876 (cited by Labcorp Genetics (formerly Invitae), Labcorp); PubMed 24269976 (cited by Labcorp Genetics (formerly Invitae), Labcorp); PubMed 31086307 (cited by Women's Health and Genetics/Laboratory Corporation of America, LabCorp).

NM_000152.5(GAA):c.1933G>C (p.Asp645His)

Gene: GAA (alpha glucosidase; plus strand). Cytogenetic location: 17q25.3.
Variant type: single nucleotide variant.
Coding change: c.1933G>C on transcript NM_000152.5 (MANE Select); coding-DNA position 1933, G replaced by C.
Protein change: p.Asp645His; replaces aspartic acid 645 with histidine.
Molecular consequence: missense variant.
Genome position (GRCh38, 1-based): chr17:80,112,920, G>C. VCF-style: chr17-80112920-G-C. GRCh37 (hg19) VCF-style: chr17-78086719-G-C.
Other names: c.1933G>C, p.Asp645His (NM_001079803.3, NM_001079804.3); c.1933G>C (LRG_673t1); short protein forms D645H.
Identifiers: ClinVar variation 189013 (VCV000189013.20), dbSNP rs368438393, ClinGen allele CA274256.